The following is an entry in ClinVar:

ClinVar aggregate classification (germline): Likely benign. Review status: criteria provided, single submitter (1 of 4 stars). 2 submissions from 2 submitters: Likely benign (1). 1 of the submissions does not count toward it. Last evaluated 2025-07-20.

Conditions:
PDE3A-related disorder. Also called: PDE3A-related condition.

Allele frequency attached by ClinVar (database versions not stated): ESP Exome Variant Server 0.00072; 1000 Genomes Project 30x 0.00078; 1000 Genomes Project 0.00100.
gnomAD v4.1: 298 of 1,612,088 alleles (0.018%); highest among the groups gnomAD compares: African/African-American, 0.23%; no homozygotes.

Submissions (2):

Labcorp Genetics (formerly Invitae), Labcorp
Classification: Likely benign. Last evaluated: 2025-07-20. Review status: criteria provided, single submitter. Criteria: Invitae Variant Classification Sherloc (09022015). Collection method: clinical testing. Allele origin: germline.

PreventionGenetics, part of Exact Sciences
Classification: Likely benign for PDE3A-related condition. Last evaluated: 2020-06-17. Review status: no assertion criteria provided. Collection method: clinical testing. Allele origin: germline. Not counted in ClinVar's aggregate classification.
Comment: This variant is classified as likely benign based on ACMG/AMP sequence variant interpretation guidelines (Richards et al. 2015 PMID: 25741868, with internal and published modifications).

NM_000921.5(PDE3A):c.505G>T (p.Gly169Trp)

Genes: PDE3A (phosphodiesterase 3A; plus strand), PDE3A-AS1 (PDE3A antisense RNA 1; minus strand), LOC124625920 (Sharpr-MPRA regulatory region 8059; plus strand). Cytogenetic location: 12p12.2.
Variant type: single nucleotide variant.
Coding change: c.505G>T on transcript NM_000921.5 (MANE Select); coding-DNA position 505, G replaced by T.
Protein change: p.Gly169Trp; replaces glycine 169 with tryptophan.
Molecular consequence: missense variant. On other transcripts: 5 prime UTR variant (1).
Genome position (GRCh38, 1-based): chr12:20,369,789, G>T. VCF-style: chr12-20369789-G-T. GRCh37 (hg19) VCF-style: chr12-20522723-G-T.
Other names: c.505G>T, p.Gly169Trp (NM_001378407.1); c.-524G>T (NM_001378408.1); c.505G>T (NM_000921.4); short protein forms G169W.
Identifiers: ClinVar variation 1548934 (VCV001548934.10), dbSNP rs149604740, ClinGen allele CA6473439.
Genomic context (GRCh38, chr12:20,369,789, plus strand): 5'-TACCTCCTGCGCGCCGGGGTGCGCCTGCCTCTGGCTGTCGCGCTGCTGGCCGCCTGCTGC[G>T]GGGGGGAAGCGCTCGTCCAGATTGGGCTGGGCGTCGGGGAGGATCACTTACTCTCACTCC-3'
Protein context (NP_000912.3, residues 159-179): LAVALLAACC[Gly169Trp]GEALVQIGLG